The following is an entry in ClinVar:

NM_001080779.2(MYO1C):c.537G>A (p.Pro179=)

Gene: MYO1C (myosin IC; minus strand). Cytogenetic location: 17p13.3.
Variant type: single nucleotide variant.
Coding change: c.537G>A on transcript NM_001080779.2 (MANE Select); coding-DNA position 537, G replaced by A.
Protein change: p.Pro179=; no amino-acid change (proline 179 retained).
Molecular consequence: synonymous variant.
Genome position (GRCh38, 1-based): chr17:1,482,870, C>T on the plus strand (G>A on the coding strand, the complement: MYO1C is on the minus strand). VCF-style: chr17-1482870-C-T. GRCh37 (hg19) VCF-style: chr17-1386164-C-T.
Other names: c.480G>A, p.Pro160= (NM_001080950.2); c.465G>A, p.Pro155= (NM_001363855.1); c.432G>A, p.Pro144= (NM_033375.5).
Identifiers: ClinVar variation 3044593 (VCV003044593.2), dbSNP rs566183609, ClinGen allele CA8267995.

ClinVar aggregate classification (germline): Likely benign (0 of 4 stars; one submission).

Conditions:
MYO1C-related disorder. Also called: MYO1C-related condition.

Allele frequency attached by ClinVar (database versions not stated): ExAC 0.00036; 1000 Genomes Project 30x 0.00094; 1000 Genomes Project 0.00399.

Submission:

PreventionGenetics, part of Exact Sciences
Classification: Likely benign for MYO1C-related condition. Last evaluated: 2019-07-08. Review status: no assertion criteria provided. Collection method: clinical testing. Allele origin: germline.
Comment: This variant is classified as likely benign based on ACMG/AMP sequence variant interpretation guidelines (Richards et al. 2015 PMID: 25741868, with internal and published modifications).